The following is an entry in ClinVar:

ClinVar aggregate classification (germline): Uncertain significance (1 of 4 stars; one submission).

Conditions:
Developmental and epileptic encephalopathy, 34 (DEE34). Also called: SLC12A5-Related Epilepsy of Infancy with Migrating Focal Seizures; Early infantile epileptic encephalopathy 34. Identifiers: Orphanet 293181, MedGen C4225257, MONDO:0014718, OMIM 616645.

gnomAD v4.1: 1 of 1,614,128 alleles (0.000062%); highest among the groups gnomAD compares: East Asian, 0.0022%; no homozygotes.

Submission:

Labcorp Genetics (formerly Invitae), Labcorp
Classification: Uncertain significance for Developmental and epileptic encephalopathy, 34. Last evaluated: 2020-07-26. Review status: criteria provided, single submitter. Criteria: Invitae Variant Classification Sherloc (09022015). Collection method: clinical testing. Allele origin: germline.
Comment: In summary, the available evidence is currently insufficient to determine the role of this variant in disease. Therefore, it has been classified as a Variant of Uncertain Significance. Advanced modeling of protein sequence and biophysical properties (such as structural, functional, and spatial information, amino acid conservation, physicochemical variation, residue mobility, and thermodynamic stability) performed at Invitae indicates that this missense variant is not expected to disrupt SLC12A5 protein function. This variant has not been reported in the literature in individuals with SLC12A5-related conditions. This variant is not present in population databases (ExAC no frequency). This sequence change replaces isoleucine with phenylalanine at codon 489 of the SLC12A5 protein (p.Ile489Phe). The isoleucine residue is moderately conserved and there is a small physicochemical difference between isoleucine and phenylalanine.

NM_020708.5(SLC12A5):c.1465A>T (p.Ile489Phe)

Gene: SLC12A5 (solute carrier family 12 member 5; plus strand). Cytogenetic location: 20q13.12.
Variant type: single nucleotide variant.
Coding change: c.1465A>T on transcript NM_020708.5 (MANE Select); coding-DNA position 1465, A replaced by T.
Protein change: p.Ile489Phe; replaces isoleucine 489 with phenylalanine.
Molecular consequence: missense variant.
Genome position (GRCh38, 1-based): chr20:46,045,036, A>T. VCF-style: chr20-46045036-A-T. GRCh37 (hg19) VCF-style: chr20-44673675-A-T.
Other names: c.1534A>T, p.Ile512Phe (NM_001134771.2); short protein forms I489F, I512F.
Identifiers: ClinVar variation 1016365 (VCV001016365.9), dbSNP rs2084581563, ClinGen allele CA409194963.